The following is an entry in ClinVar:

NM_000478.6(ALPL):c.874_876delinsACG (p.Pro292Thr)

Gene: ALPL (alkaline phosphatase, biomineralization associated; plus strand). Cytogenetic location: 1p36.12.
Variant type: Indel.
Coding change: c.874_876delinsACG on transcript NM_000478.6 (MANE Select); coding-DNA positions 874 to 876, CCA replaced by ACG.
Protein change: p.Pro292Thr; replaces proline 292 with threonine.
Molecular consequence: missense variant.
Genome position (GRCh38, 1-based): chr1:21,573,676-21,573,678, CCA replaced by ACG. VCF-style: chr1-21573676-CCA-ACG. GRCh37 (hg19) VCF-style: chr1-21900169-CCA-ACG.
Other names: c.709_711delinsACG, p.Pro237Thr (NM_001127501.4); c.643_645delinsACG, p.Pro215Thr (NM_001177520.3); c.874_876delinsACG, p.Pro292Thr (NM_001369803.2, NM_001369804.2, NM_001369805.2); short protein forms P215T, P237T, P292T.
Identifiers: ClinVar variation 4818421 (VCV004818421.1).

ClinVar aggregate classification (germline): Likely pathogenic (1 of 4 stars; one submission).

Conditions:
Hypophosphatasia. Also called: Phosphoethanol-aminuria. Identifiers: Orphanet 436, MedGen C0020630, MeSH D007014, MONDO:0018570.

Submission:

Natera, Inc.
Classification: Likely pathogenic for Hypophosphatasia. Last evaluated: 2025-10-31. Review status: criteria provided, single submitter. Criteria: Natera Variant Classification Schema (03/2026). Collection method: clinical testing. Allele origin: germline.
Comment: The c.874_876delCCAinsACG variant in ALPL is a deletion-insertion (delins) variant predicted to replace one or more nucleotides with a different sequence. This variant is rare in the general population with a frequency below the threshold expected for the associated phenotype(s). Another variant at this same site results in an alteration predicted to cause a similar molecular effect has been observed in individual(s) with the associated phenotype. A different variant at the same position has been determined to be Pathogenic or Likely Pathogenic. Computational prediction algorithms indicate this variant is likely to affect gene or protein function. Given the available evidence, this variant is classified as Likely Pathogenic.